The following is an entry in ClinVar:

ClinVar aggregate classification (germline): Uncertain significance. Review status: criteria provided, multiple submitters, no conflicts (2 of 4 stars). 2 submissions from 2 submitters: Uncertain significance (2). Last evaluated 2025-12-15.

Conditions:
Intellectual developmental disorder, autosomal dominant 50, with behavioral abnormalities. Also called: MENTAL RETARDATION, AUTOSOMAL DOMINANT 50; Intellectual disability, autosomal dominant 50. Identifiers: MedGen C4540470, MONDO:0030916, OMIM 617787.
Inborn genetic diseases. Identifiers: MedGen C0950123, MeSH D030342.

Allele frequency attached by ClinVar (database versions not stated): gnomAD exomes below 0.00001; ExAC 0.00001; TOPMed 0.00001.
gnomAD v4.1: 3 of 1,564,076 alleles (0.00019%); highest among the groups gnomAD compares: Non-Finnish European, 0.00026%; no homozygotes.

Submissions (2):

Ambry Genetics
Classification: Uncertain significance for Inborn genetic diseases. Last evaluated: 2025-12-15. Review status: criteria provided, single submitter. Criteria: Ambry Variant Classification Scheme 2023. Collection method: clinical testing. Allele origin: germline.

Victorian Clinical Genetics Services, Murdoch Childrens Research Institute
Classification: Uncertain significance for Intellectual developmental disorder, autosomal dominant 50, with behavioral abnormalities. Last evaluated: 2021-05-06. Review status: criteria provided, single submitter. Criteria: ACMG Guidelines, 2015. Collection method: clinical testing. Allele origin: germline. Inheritance: Autosomal dominant inheritance. Affected: yes.
Comment: Based on the classification scheme VCGS_Germline_v1.3.4, this variant is classified as VUS-3B. Following criteria are met: 0102 - Loss of function is a known mechanism of disease in this gene and is associated with NAA15-related intellectual disability (MIM#617787). (I) 0107 - This gene is associated with autosomal dominant disease. (I) 0200 - Variant is predicted to result in a missense amino acid change from asparagine to aspartic acid. (I) 0251 - This variant is heterozygous. (I) 0302 - Variant is present in gnomAD (v2) <0.001 for a dominant condition (1 heterozygote, 0 homozygotes). (SP) 0503 - Missense variant consistently predicted to be tolerated by multiple in silico tools or not conserved in placental mammals with a minor amino acid change. (SB) 0600 - Variant is located in the annotated NARP1 domain (Pfam). (I) 0705 - No comparable missense variants have previous evidence for pathogenicity. (I) 0807 - This variant has no previous evidence of pathogenicity. (I) 0905 - No published segregation evidence has been identified for this variant. (I) 1007 - No published functional evidence has been identified for this variant. (I) 1208 - Inheritance information for this variant is not currently available in this individual. (I) Legend: (SP) - Supporting pathogenic, (I) - Information, (SB) - Supporting benign

NM_057175.5(NAA15):c.814A>G (p.Asn272Asp)

Gene: NAA15 (N-alpha-acetyltransferase 15, NatA auxiliary subunit; plus strand). Cytogenetic location: 4q31.1.
Variant type: single nucleotide variant.
Coding change: c.814A>G on transcript NM_057175.5 (MANE Select); coding-DNA position 814, A replaced by G.
Protein change: p.Asn272Asp; replaces asparagine 272 with aspartic acid.
Molecular consequence: missense variant.
Genome position (GRCh38, 1-based): chr4:139,351,193, A>G. VCF-style: chr4-139351193-A-G. GRCh37 (hg19) VCF-style: chr4-140272347-A-G.
Other names: c.814A>G, p.Asn272Asp (NM_001410842.1, NM_025085.2); c.814A>G (NM_057175.3); short protein forms N272D.
Identifiers: ClinVar variation 1804976 (VCV001804976.2), dbSNP rs758429913, ClinGen allele CA3083487.